The following is an entry in ClinVar:

NM_014141.6(CNTNAP2):c.3176A>G (p.Lys1059Arg)

Gene: CNTNAP2 (contactin associated protein 2; plus strand). Cytogenetic location: 7q36.1.
Variant type: single nucleotide variant.
Coding change: c.3176A>G on transcript NM_014141.6 (MANE Select); coding-DNA position 3176, A replaced by G.
Protein change: p.Lys1059Arg; replaces lysine 1059 with arginine.
Molecular consequence: missense variant.
Genome position (GRCh38, 1-based): chr7:148,217,453, A>G. VCF-style: chr7-148217453-A-G. GRCh37 (hg19) VCF-style: chr7-147914545-A-G.
Other names: short protein forms K1059R.
Identifiers: ClinVar variation 2075522 (VCV002075522.4), dbSNP rs1477729057, ClinGen allele CA369929400.

ClinVar aggregate classification (germline): Uncertain significance (1 of 4 stars; one submission).

Conditions:
Cortical dysplasia-focal epilepsy syndrome (PTHSL1). Also called: Pitt-Hopkins-like syndrome 1. Identifiers: Orphanet 163681, Orphanet 221150, MedGen C2750246, MONDO:0012400, OMIM 610042.

Allele frequency attached by ClinVar (database versions not stated): gnomAD exomes below 0.00001.
gnomAD v4.1: 1 of 1,614,106 alleles (0.000062%); highest among the groups gnomAD compares: Non-Finnish European, 0.000085%; no homozygotes.

Submission:

Labcorp Genetics (formerly Invitae), Labcorp
Classification: Uncertain significance for Cortical dysplasia-focal epilepsy syndrome. Last evaluated: 2022-01-05. Review status: criteria provided, single submitter. Criteria: Invitae Variant Classification Sherloc (09022015). Collection method: clinical testing. Allele origin: germline.
Comment: This sequence change replaces lysine, which is basic and polar, with arginine, which is basic and polar, at codon 1059 of the CNTNAP2 protein (p.Lys1059Arg). This variant is present in population databases (no rsID available, gnomAD 0.0009%). In summary, the available evidence is currently insufficient to determine the role of this variant in disease. Therefore, it has been classified as a Variant of Uncertain Significance. Algorithms developed to predict the effect of missense changes on protein structure and function output the following: SIFT: "Tolerated"; PolyPhen-2: "Benign"; Align-GVGD: "Class C0". The arginine amino acid residue is found in multiple mammalian species, which suggests that this missense change does not adversely affect protein function. This variant has not been reported in the literature in individuals affected with CNTNAP2-related conditions.